The following is an entry in ClinVar:

NM_052947.4(ALPK2):c.1209T>A (p.His403Gln)

Genes: ALPK2 (alpha kinase 2; minus strand), LOC114803473 (ALPK2 eExon liver enhancer; plus strand). Cytogenetic location: 18q21.31.
Variant type: single nucleotide variant.
Coding change: c.1209T>A on transcript NM_052947.4 (MANE Select); coding-DNA position 1209, T replaced by A.
Protein change: p.His403Gln; replaces histidine 403 with glutamine.
Molecular consequence: missense variant.
Genome position (GRCh38, 1-based): chr18:58,579,567, A>T on the plus strand (T>A on the coding strand, the complement: ALPK2 is on the minus strand). VCF-style: chr18-58579567-A-T. GRCh37 (hg19) VCF-style: chr18-56246799-A-T.
Other names: short protein forms H403Q.
Identifiers: ClinVar variation 1749636 (VCV001749636.2), dbSNP rs2518899310, ClinGen allele CA402564116.

ClinVar aggregate classification (germline): Uncertain significance (1 of 4 stars; one submission).

Submission:

Ambry Genetics
Classification: Uncertain significance. Last evaluated: 2021-09-13. Review status: criteria provided, single submitter. Criteria: Ambry Variant Classification Scheme 2023. Collection method: clinical testing. Allele origin: germline.
Comment: The p.H403Q variant (also known as c.1209T>A), located in coding exon 3 of the ALPK2 gene, results from a T to A substitution at nucleotide position 1209. The histidine at codon 403 is replaced by glutamine, an amino acid with highly similar properties. This amino acid position is conserved. In addition, this alteration is predicted to be tolerated by in silico analysis. Since supporting evidence is limited at this time, the clinical significance of this alteration remains unclear.